The following is an entry in ClinVar:

NM_000338.3(SLC12A1):c.3259G>T (p.Val1087Phe)

Gene: SLC12A1 (solute carrier family 12 member 1; plus strand). Cytogenetic location: 15q21.1.
Variant type: single nucleotide variant.
Coding change: c.3259G>T on transcript NM_000338.3 (MANE Select); coding-DNA position 3259, G replaced by T.
Protein change: p.Val1087Phe; replaces valine 1087 with phenylalanine.
Molecular consequence: missense variant.
Genome position (GRCh38, 1-based): chr15:48,302,844, G>T. VCF-style: chr15-48302844-G-T. GRCh37 (hg19) VCF-style: chr15-48595041-G-T.
Other names: c.3259G>T, p.Val1087Phe (NM_001184832.2, NM_001384136.1); short protein forms V1087F.
Identifiers: ClinVar variation 2876117 (VCV002876117.3), dbSNP rs1481669013, ClinGen allele CA392322153.

ClinVar aggregate classification (germline): Uncertain significance (1 of 4 stars; one submission).

Submission:

Labcorp Genetics (formerly Invitae), Labcorp
Classification: Uncertain significance. Last evaluated: 2023-04-10. Review status: criteria provided, single submitter. Criteria: Invitae Variant Classification Sherloc (09022015). Collection method: clinical testing. Allele origin: germline.
Comment: This variant has not been reported in the literature in individuals affected with SLC12A1-related conditions. This variant is present in population databases (no rsID available, gnomAD 0.007%). This sequence change replaces valine, which is neutral and non-polar, with phenylalanine, which is neutral and non-polar, at codon 1087 of the SLC12A1 protein (p.Val1087Phe). In summary, the available evidence is currently insufficient to determine the role of this variant in disease. Therefore, it has been classified as a Variant of Uncertain Significance. Advanced modeling of protein sequence and biophysical properties (such as structural, functional, and spatial information, amino acid conservation, physicochemical variation, residue mobility, and thermodynamic stability) performed at Invitae indicates that this missense variant is expected to disrupt SLC12A1 protein function.